The following is an entry in ClinVar:

ClinVar aggregate classification (germline): Uncertain significance. Review status: criteria provided, multiple submitters, no conflicts (2 of 4 stars). 2 submissions from 2 submitters: Uncertain significance (2). Last evaluated 2023-12-01.

Allele frequency attached by ClinVar (database versions not stated): gnomAD exomes 0.00001; TOPMed 0.00003; gnomAD 0.00007 and 0.00008.
gnomAD v4.1: 23 of 1,514,714 alleles (0.0015%); highest among the groups gnomAD compares: African/African-American, 0.012%; no homozygotes.

Submissions (2):

Quest Diagnostics Nichols Institute San Juan Capistrano
Classification: Uncertain significance. Last evaluated: 2023-12-01. Review status: criteria provided, single submitter. Criteria: Quest Diagnostics criteria. Collection method: clinical testing. Allele origin: unknown.
Comment: The HBB c.*65C>G variant has not been reported in individuals with HBB-related conditions in the published literature. The frequency of this variant in the general population, 0.00057 (6/10614 chromosomes (Genome Aggregation Database)), is uninformative in the assessment of its pathogenicity. Analysis of this variant using software algorithms for the prediction of the effect of nucleotide changes on splicing yielded predictions that this variant does not affect HBB mRNA splicing. Based on the available information, we are unable to determine the clinical significance of this variant.

Women's Health and Genetics/Laboratory Corporation of America, LabCorp
Classification: Uncertain significance. Last evaluated: 2018-11-30. Review status: criteria provided, single submitter. Criteria: LabCorp Variant Classification Summary - May 2015. Collection method: clinical testing. Allele origin: germline.
Comment: Variant summary: HBB c.*65C>G is located in the untranslated mRNA region downstream of the termination codon. The variant allele was found at a frequency of 3.2e-05 in 30980 control chromosomes. The available data on variant occurrences in the general population are insufficient to allow any conclusion about variant significance. To our knowledge, no occurrence of c.*65C>G in individuals affected with Hemoglobinopathy and no experimental evidence demonstrating its impact on protein function have been reported. No clinical diagnostic laboratories have submitted clinical-significance assessments for this variant to ClinVar after 2014. Based on the evidence outlined above, the variant was classified as uncertain significance.

NM_000518.5(HBB):c.*65C>G

Genes: HBB (hemoglobin subunit beta; minus strand), LOC107133510 (origin of replication at HBB; plus strand), LOC110006319 (beta-globin gene 3' regulatory region; plus strand). Cytogenetic location: 11p15.4.
Variant type: single nucleotide variant.
Coding change: c.*65C>G on transcript NM_000518.5 (MANE Select); 65 bases downstream of the stop codon, C replaced by G.
Molecular consequence: 3 prime UTR variant.
Genome position (GRCh38, 1-based): chr11:5,225,533, G>C on the plus strand (C>G on the coding strand, the complement: HBB is on the minus strand). VCF-style: chr11-5225533-G-C. GRCh37 (hg19) VCF-style: chr11-5246763-G-C.
Identifiers: ClinVar variation 632853 (VCV000632853.2), dbSNP rs1490059160, ClinGen allele CA597217421.
Genomic context (GRCh38, chr11:5,225,533, plus strand): 5'-AAATAAATGTTTTTTATTAGGCAGAATCCAGATGCTCAAGGCCCTTCATAATATCCCCCA[G>C]TTTAGTAGTTGGACTTAGGGAACAAAGGAACCTTTAATAGAAATTGGACAGCAAGAAAGC-3'